The following is an entry in ClinVar:

NM_001291415.2(KDM6A):c.47C>G (p.Ala16Gly)

Gene: KDM6A (lysine demethylase 6A; plus strand). Cytogenetic location: Xp11.3.
Variant type: single nucleotide variant.
Coding change: c.47C>G on transcript NM_001291415.2 (MANE Select); coding-DNA position 47, C replaced by G.
Protein change: p.Ala16Gly; replaces alanine 16 with glycine.
Molecular consequence: missense variant. On other transcripts: non-coding transcript variant (1), 5 prime UTR variant (1).
Genome position (GRCh38, 1-based): chrX:44,873,598, C>G. VCF-style: chrX-44873598-C-G. GRCh37 (hg19) VCF-style: chrX-44732844-C-G.
Other names: c.47C>G, p.Ala16Gly (NM_001419810.1, NM_001419811.1, NM_001419812.1 and 9 more transcripts); c.-586C>G (NM_001291421.2); short protein forms A16G.
Identifiers: ClinVar variation 2631859 (VCV002631859.3), dbSNP rs1007509134, ClinGen allele CA329555540.
Genomic context (GRCh38, chrX:44,873,598, plus strand): 5'-TTCGCTGCGTTTCCATGAAATCCTGCGGAGTGTCGCTCGCTACCGCCGCCGCTGCCGCCG[C>G]CGCTTTCGGTGATGAGGAAAAGAAAATGGCGGCGGGAAAAGCGAGCGGCGAGAGCGAGGA-3'
Protein context (NP_001278344.1, residues 6-26): VSLATAAAAA[Ala16Gly]AFGDEEKKMA

ClinVar aggregate classification (germline): Uncertain significance. Review status: criteria provided, multiple submitters, no conflicts (2 of 4 stars). 2 submissions from 2 submitters: Uncertain significance (2). Last evaluated 2024-05-23.

Conditions:
KDM6A-related disorder. Also called: KDM6A-related condition.
Kabuki syndrome 2 (KABUK2). Also called: KDM6A-Related Kabuki Syndrome. Identifiers: Orphanet 2322, MedGen C3275495, MONDO:0010465, OMIM 300867.

gnomAD v4.1: 6 of 1,206,217 alleles (0.0005%); highest among the groups gnomAD compares: African/African-American, 0.0052%; no homozygotes.

Submissions (2):

Labcorp Genetics (formerly Invitae), Labcorp
Classification: Uncertain significance for Kabuki syndrome 2. Last evaluated: 2024-05-23. Review status: criteria provided, single submitter. Criteria: Invitae Variant Classification Sherloc (09022015). Collection method: clinical testing. Allele origin: germline.
Comment: This sequence change replaces alanine, which is neutral and non-polar, with glycine, which is neutral and non-polar, at codon 16 of the KDM6A protein (p.Ala16Gly). This variant is not present in population databases (gnomAD no frequency). This variant has not been reported in the literature in individuals affected with KDM6A-related conditions. ClinVar contains an entry for this variant (Variation ID: 2631859). Advanced modeling of protein sequence and biophysical properties (such as structural, functional, and spatial information, amino acid conservation, physicochemical variation, residue mobility, and thermodynamic stability) has been performed at Invitae for this missense variant, however the output from this modeling did not meet the statistical confidence thresholds required to predict the impact of this variant on KDM6A protein function. In summary, the available evidence is currently insufficient to determine the role of this variant in disease. Therefore, it has been classified as a Variant of Uncertain Significance.

PreventionGenetics, part of Exact Sciences
Classification: Uncertain significance for KDM6A-related condition. Last evaluated: 2023-06-02. Review status: criteria provided, single submitter. Criteria: ACMG Guidelines, 2015. Collection method: clinical testing. Allele origin: germline.
Comment: The KDM6A c.47C>G variant is predicted to result in the amino acid substitution p.Ala16Gly. To our knowledge, this variant has not been reported in the literature. This variant is reported in 0.0038% of alleles in individuals of Latino descent in gnomAD. At this time, the clinical significance of this variant is uncertain due to the absence of conclusive functional and genetic evidence.